The following is an entry in ClinVar:

ClinVar aggregate classification (germline): Uncertain significance (1 of 4 stars; one submission).

Allele frequency attached by ClinVar (database versions not stated): gnomAD 0.00001.
gnomAD v4.1: 8 of 1,353,094 alleles (0.00059%); highest among the groups gnomAD compares: South Asian, 0.012%; no homozygotes.

Submission:

Labcorp Genetics (formerly Invitae), Labcorp
Classification: Uncertain significance. Last evaluated: 2022-06-27. Review status: criteria provided, single submitter. Criteria: Invitae Variant Classification Sherloc (09022015). Collection method: clinical testing. Allele origin: germline.
Comment: In summary, the available evidence is currently insufficient to determine the role of this variant in disease. Therefore, it has been classified as a Variant of Uncertain Significance. Algorithms developed to predict the effect of sequence changes on RNA splicing suggest that this variant is not likely to affect RNA splicing. This variant has not been reported in the literature in individuals affected with TK2-related conditions. This variant is not present in population databases (gnomAD no frequency). This sequence change affects codon 41 of the TK2 mRNA. It is a 'silent' change, meaning that it does not change the encoded amino acid sequence of the TK2 protein. It affects a nucleotide within the consensus splice site.

NM_004614.5(TK2):c.123C>T (p.Pro41=)

Genes: TK2 (thymidine kinase 2; minus strand), LOC130059156 (ATAC-STARR-seq lymphoblastoid silent region 7560; plus strand). Cytogenetic location: 16q21.
Variant type: single nucleotide variant.
Coding change: c.123C>T on transcript NM_004614.5 (MANE Select); coding-DNA position 123, C replaced by T.
Protein change: p.Pro41=; no amino-acid change (proline 41 retained).
Molecular consequence: synonymous variant. On other transcripts: 5 prime UTR variant (2), non-coding transcript variant (1), intron variant (2).
Genome position (GRCh38, 1-based): chr16:66,549,939, G>A on the plus strand (C>T on the coding strand, the complement: TK2 is on the minus strand). VCF-style: chr16-66549939-G-A. GRCh37 (hg19) VCF-style: chr16-66583842-G-A.
Other names: c.123C>T, p.Pro41= (NM_001172644.2, NM_001172645.2); c.-120C>T (NM_001271934.2); c.-530C>T (NM_001272050.2); c.31+314C>T (NM_001271935.1, NM_001172643.1).
Identifiers: ClinVar variation 1972871 (VCV001972871.4), dbSNP rs772476450, ClinGen allele CA495918299.